The following is an entry in ClinVar:

NM_019892.6(INPP5E):c.11A>T (p.Lys4Met)

Gene: INPP5E (inositol polyphosphate-5-phosphatase E; minus strand). Cytogenetic location: 9q34.3.
Variant type: single nucleotide variant.
Coding change: c.11A>T on transcript NM_019892.6 (MANE Select); coding-DNA position 11, A replaced by T.
Protein change: p.Lys4Met; replaces lysine 4 with methionine.
Molecular consequence: missense variant.
Genome position (GRCh38, 1-based): chr9:136,439,409, T>A on the plus strand (A>T on the coding strand, the complement: INPP5E is on the minus strand). VCF-style: chr9-136439409-T-A. GRCh37 (hg19) VCF-style: chr9-139333861-T-A.
Other names: c.11A>T, p.Lys4Met (NM_001318502.2); c.11A>T (NM_019892.5); short protein forms K4M.
Identifiers: ClinVar variation 933719 (VCV000933719.12), dbSNP rs1057306367, ClinGen allele CA201649514.

ClinVar aggregate classification (germline): Uncertain significance. Review status: criteria provided, multiple submitters, no conflicts (2 of 4 stars). 3 submissions from 3 submitters: Uncertain significance (2). 1 of the submissions does not count toward it. Last evaluated 2024-01-30.

Conditions:
INPP5E-related disorder. Also called: INPP5E-related condition.
Joubert syndrome. Also called: JOUBERT-BOLTSHAUSER SYNDROME; Familial aplasia of the vermis. Identifiers: Orphanet 475, MedGen C5979921, MONDO:0018772.

Allele frequency attached by ClinVar (database versions not stated): gnomAD exomes 0.00001; TOPMed 0.00006; 1000 Genomes Project 30x 0.00094.

Submissions (3):

Blueprint Genetics
Classification: Uncertain significance. Last evaluated: 2024-01-30. Review status: criteria provided, single submitter. Criteria: ACMG Guidelines, 2015. Collection method: clinical testing. Allele origin: germline.

Labcorp Genetics (formerly Invitae), Labcorp
Classification: Uncertain significance for Joubert syndrome. Last evaluated: 2022-08-31. Review status: criteria provided, single submitter. Criteria: Invitae Variant Classification Sherloc (09022015). Collection method: clinical testing. Allele origin: germline.
Comment: This variant is present in population databases (no rsID available, gnomAD 0.02%). In summary, the available evidence is currently insufficient to determine the role of this variant in disease. Therefore, it has been classified as a Variant of Uncertain Significance. Advanced modeling of protein sequence and biophysical properties (such as structural, functional, and spatial information, amino acid conservation, physicochemical variation, residue mobility, and thermodynamic stability) performed at Invitae indicates that this missense variant is not expected to disrupt INPP5E protein function. ClinVar contains an entry for this variant (Variation ID: 933719). This variant has not been reported in the literature in individuals affected with INPP5E-related conditions. This sequence change replaces lysine, which is basic and polar, with methionine, which is neutral and non-polar, at codon 4 of the INPP5E protein (p.Lys4Met).

PreventionGenetics, part of Exact Sciences
Classification: Uncertain significance for INPP5E-related condition. Last evaluated: 2023-12-14. Review status: no assertion criteria provided. Collection method: clinical testing. Allele origin: germline. Not counted in ClinVar's aggregate classification.
Comment: The INPP5E c.11A>T variant is predicted to result in the amino acid substitution p.Lys4Met. To our knowledge, this variant has not been reported in the literature. This variant is reported in 0.021% of alleles in individuals of African descent in gnomAD. At this time, the clinical significance of this variant is uncertain due to the absence of conclusive functional and genetic evidence.